The following is an entry in ClinVar:

NM_002432.3(MNDA):c.623A>C (p.Gln208Pro)

Gene: MNDA (myeloid cell nuclear differentiation antigen; plus strand). Cytogenetic location: 1q23.1.
Variant type: single nucleotide variant.
Coding change: c.623A>C on transcript NM_002432.3 (MANE Select); coding-DNA position 623, A replaced by C.
Protein change: p.Gln208Pro; replaces glutamine 208 with proline.
Molecular consequence: missense variant.
Genome position (GRCh38, 1-based): chr1:158,845,639, A>C. VCF-style: chr1-158845639-A-C. GRCh37 (hg19) VCF-style: chr1-158815429-A-C.
Other names: short protein forms Q208P.
Identifiers: ClinVar variation 1752368 (VCV001752368.2), dbSNP rs1571660134, ClinGen allele CA343040802.

ClinVar aggregate classification (germline): Uncertain significance (1 of 4 stars; one submission).

Allele frequency attached by ClinVar (database versions not stated): gnomAD exomes below 0.00001.
gnomAD v4.1: 3 of 1,613,928 alleles (0.00019%); highest among the groups gnomAD compares: Non-Finnish European, 0.00017%; no homozygotes.

Submission:

Ambry Genetics
Classification: Uncertain significance. Last evaluated: 2022-07-17. Review status: criteria provided, single submitter. Criteria: Ambry Variant Classification Scheme 2023. Collection method: clinical testing. Allele origin: germline.
Comment: The p.Q208P variant (also known as c.623A>C), located in coding exon 4 of the MNDA gene, results from an A to C substitution at nucleotide position 623. The glutamine at codon 208 is replaced by proline, an amino acid with similar properties. This amino acid position is conserved. In addition, this alteration is predicted to be tolerated by in silico analysis. Since supporting evidence is limited at this time, the clinical significance of this alteration remains unclear.